The following is an entry in ClinVar:

NM_014845.6(FIG4):c.2095C>G (p.Arg699Gly)

Gene: FIG4 (FIG4 phosphoinositide 5-phosphatase; plus strand). Cytogenetic location: 6q21.
Variant type: single nucleotide variant.
Coding change: c.2095C>G on transcript NM_014845.6 (MANE Select); coding-DNA position 2095, C replaced by G.
Protein change: p.Arg699Gly; replaces arginine 699 with glycine.
Molecular consequence: missense variant.
Genome position (GRCh38, 1-based): chr6:109,786,448, C>G. VCF-style: chr6-109786448-C-G. GRCh37 (hg19) VCF-style: chr6-110107651-C-G.
Other names: short protein forms R699G.
Identifiers: ClinVar variation 1785784 (VCV001785784.2), dbSNP rs764799053, ClinGen allele CA365232031.

ClinVar aggregate classification (germline): Uncertain significance (1 of 4 stars; one submission).

Conditions:
Inborn genetic diseases. Identifiers: MedGen C0950123, MeSH D030342.

Submission:

Ambry Genetics
Classification: Uncertain significance for Inborn genetic diseases. Last evaluated: 2021-05-28. Review status: criteria provided, single submitter. Criteria: Ambry Variant Classification Scheme 2023. Collection method: clinical testing. Allele origin: germline.
Comment: The p.R699G variant (also known as c.2095C>G), located in coding exon 18 of the FIG4 gene, results from a C to G substitution at nucleotide position 2095. The arginine at codon 699 is replaced by glycine, an amino acid with dissimilar properties. This amino acid position is highly conserved in available vertebrate species. In addition, this alteration is predicted to be deleterious by in silico analysis. Since supporting evidence is limited at this time, the clinical significance of this alteration remains unclear.